The following is an entry in ClinVar:

ClinVar aggregate classification (germline): Conflicting classifications of pathogenicity. Review status: criteria provided, conflicting classifications (1 of 4 stars). 5 submissions from 5 submitters: Uncertain significance (2); Likely benign (2). 1 of the submissions does not count toward it. Last evaluated 2026-01-31.

Conditions:
CUL7-related disorder. Also called: CUL7-related condition.
3M syndrome 1. Also called: 3-M Syndrome, CUL7-Related. Identifiers: Orphanet 2616, MedGen C2678312, MONDO:0010117, OMIM 273750.

Allele frequency attached by ClinVar (database versions not stated): gnomAD exomes 0.00001 and 0.00004; ExAC 0.00005; gnomAD 0.00006 and 0.00007; TOPMed 0.00007; ESP Exome Variant Server 0.00008.

Submissions (5):

Labcorp Genetics (formerly Invitae), Labcorp
Classification: Likely benign. Last evaluated: 2026-01-31. Review status: criteria provided, single submitter. Criteria: Invitae Variant Classification Sherloc (09022015). Collection method: clinical testing. Allele origin: germline.

Blueprint Genetics
Classification: Likely benign. Last evaluated: 2024-09-20. Review status: criteria provided, single submitter. Criteria: ACMG Guidelines, 2015. Collection method: clinical testing. Allele origin: germline.

Illumina Laboratory Services, Illumina
Classification: Uncertain significance for 3M syndrome 1. Last evaluated: 2018-01-12. Review status: criteria provided, single submitter. Criteria: ICSL Variant Classification Criteria 13 December 2019. Collection method: clinical testing. Allele origin: germline.

Eurofins Ntd Llc (ga)
Classification: Uncertain significance. Last evaluated: 2015-08-19. Review status: criteria provided, single submitter. Criteria: EGL Classification Definitions 2015. Collection method: clinical testing. Allele origin: germline. Observed: 1 variant allele, 1 heterozygote.

PreventionGenetics, part of Exact Sciences
Classification: Likely benign for CUL7-related condition. Last evaluated: 2019-05-15. Review status: no assertion criteria provided. Collection method: clinical testing. Allele origin: germline. Not counted in ClinVar's aggregate classification.
Comment: This variant is classified as likely benign based on ACMG/AMP sequence variant interpretation guidelines (Richards et al. 2015 PMID: 25741868, with internal and published modifications).

NM_014780.5(CUL7):c.3747G>A (p.Leu1249=)

Gene: CUL7 (cullin 7; minus strand). Cytogenetic location: 6p21.1.
Variant type: single nucleotide variant.
Coding change: c.3747G>A on transcript NM_014780.5 (MANE Select); coding-DNA position 3747, G replaced by A.
Protein change: p.Leu1249=; no amino-acid change (leucine 1249 retained).
Molecular consequence: synonymous variant.
Genome position (GRCh38, 1-based): chr6:43,040,974, C>T on the plus strand (G>A on the coding strand, the complement: CUL7 is on the minus strand). VCF-style: chr6-43040974-C-T. GRCh37 (hg19) VCF-style: chr6-43008712-C-T.
Other names: c.3843G>A, p.Leu1281= (NM_001168370.2, NM_001374872.1); c.3747G>A, p.Leu1249= (NM_001374873.1); c.3744G>A, p.Leu1248= (NM_001374874.1).
Identifiers: ClinVar variation 282091 (VCV000282091.20), dbSNP rs141211365, ClinGen allele CA3813402.